The following is an entry in ClinVar:

NM_001017420.3(ESCO2):c.694C>A (p.Arg232Ser)

Gene: ESCO2 (establishment of sister chromatid cohesion N-acetyltransferase 2; plus strand). Cytogenetic location: 8p21.1.
Variant type: single nucleotide variant.
Coding change: c.694C>A on transcript NM_001017420.3 (MANE Select); coding-DNA position 694, C replaced by A.
Protein change: p.Arg232Ser; replaces arginine 232 with serine.
Molecular consequence: missense variant.
Genome position (GRCh38, 1-based): chr8:27,777,002, C>A. VCF-style: chr8-27777002-C-A. GRCh37 (hg19) VCF-style: chr8-27634519-C-A.
Other names: short protein forms R232S.
Identifiers: ClinVar variation 1990210 (VCV001990210.2), dbSNP rs773712638, ClinGen allele CA4692095.

ClinVar aggregate classification (germline): Uncertain significance. Review status: criteria provided, multiple submitters, no conflicts (2 of 4 stars). 2 submissions from 2 submitters: Uncertain significance (2). Last evaluated 2024-01-08.

Conditions:
Juberg-Hayward syndrome (JHS). Also called: Cleft lip/palate with abnormal thumbs and microcephaly; OROCRANIODIGITAL SYNDROME. Identifiers: Orphanet 2319, MedGen C0796099, MONDO:0008992, OMIM 216100.
Roberts-SC phocomelia syndrome (RBS). Also called: LONG BONE DEFICIENCIES ASSOCIATED WITH CLEFT LIP-PALATE; ESCO2 Spectrum Disorder; Hypomelia hypotrichosis facial hemangioma syndrome; Pseudothalidomide syndrome; Appelt-Gerken-Lenz syndrome. Identifiers: Orphanet 3103, MedGen C0392475, MONDO:0100253, OMIM 268300.

gnomAD v4.1: 53 of 1,612,524 alleles (0.0033%); highest among the groups gnomAD compares: Non-Finnish European, 0.0044%; no homozygotes.

Submissions (2):

Fulgent Genetics
Classification: Uncertain significance for Juberg-Hayward syndrome; Roberts-SC phocomelia syndrome. Last evaluated: 2024-01-08. Review status: criteria provided, single submitter. Criteria: ACMG Guidelines, 2015. Collection method: clinical testing. Allele origin: germline.

Labcorp Genetics (formerly Invitae), Labcorp
Classification: Uncertain significance. Last evaluated: 2022-02-22. Review status: criteria provided, single submitter. Criteria: Invitae Variant Classification Sherloc (09022015). Collection method: clinical testing. Allele origin: germline.
Comment: This sequence change replaces arginine, which is basic and polar, with serine, which is neutral and polar, at codon 232 of the ESCO2 protein (p.Arg232Ser). This variant is present in population databases (rs773712638, gnomAD 0.0009%). This variant has not been reported in the literature in individuals affected with ESCO2-related conditions. Algorithms developed to predict the effect of missense changes on protein structure and function output the following: SIFT: "Tolerated"; PolyPhen-2: "Benign"; Align-GVGD: "Class C0". The serine amino acid residue is found in multiple mammalian species, which suggests that this missense change does not adversely affect protein function. In summary, the available evidence is currently insufficient to determine the role of this variant in disease. Therefore, it has been classified as a Variant of Uncertain Significance.